The following is an entry in ClinVar:

ClinVar aggregate classification (germline): Uncertain significance. Review status: criteria provided, multiple submitters, no conflicts (2 of 4 stars). 3 submissions from 2 submitters: Uncertain significance (3). Last evaluated 2025-12-20.

Conditions:
Autosomal recessive Robinow syndrome (RRS1). Also called: COSTOVERTEBRAL SEGMENTATION DEFECT WITH MESOMELIA; COVESDEM SYNDROME; ROR2-Related Robinow Syndrome; ROBINOW SYNDROME, AUTOSOMAL RECESSIVE 1. Identifiers: Orphanet 1507, Orphanet 97360, MedGen C5399974, MONDO:0009999, OMIM 268310.
Brachydactyly type B1 (BDB1). Identifiers: Orphanet 572385, Orphanet 93383, MedGen C1862112, MONDO:0007220, OMIM 113000.

Allele frequency attached by ClinVar (database versions not stated): gnomAD exomes 0.00001; ExAC 0.00002; TOPMed 0.00002; ESP Exome Variant Server 0.00008.
gnomAD v4.1: 12 of 1,613,946 alleles (0.00074%); highest among the groups gnomAD compares: South Asian, 0.0011%; no homozygotes.

Submissions (3):

Labcorp Genetics (formerly Invitae), Labcorp
Classification: Uncertain significance. Last evaluated: 2025-12-20. Review status: criteria provided, single submitter. Criteria: Invitae Variant Classification Sherloc (09022015). Collection method: clinical testing. Allele origin: germline.
Comment: This sequence change replaces methionine, which is neutral and non-polar, with valine, which is neutral and non-polar, at codon 427 of the ROR2 protein (p.Met427Val). This variant is present in population databases (rs148390451, gnomAD 0.003%). This variant has not been reported in the literature in individuals affected with ROR2-related conditions. ClinVar contains an entry for this variant (Variation ID: 912923). Invitae Evidence Modeling of protein sequence and biophysical properties (such as structural, functional, and spatial information, amino acid conservation, physicochemical variation, residue mobility, and thermodynamic stability) indicates that this missense variant is not expected to disrupt ROR2 protein function with a negative predictive value of 80%. In summary, the available evidence is currently insufficient to determine the role of this variant in disease. Therefore, it has been classified as a Variant of Uncertain Significance.

Illumina Laboratory Services, Illumina
Classification: Uncertain significance for Brachydactyly type B1. Last evaluated: 2018-01-13. Review status: criteria provided, single submitter. Criteria: ICSL Variant Classification Criteria 13 December 2019. Collection method: clinical testing. Allele origin: germline.

Illumina Laboratory Services, Illumina
Classification: Uncertain significance for Autosomal recessive Robinow syndrome. Last evaluated: 2018-01-13. Review status: criteria provided, single submitter. Criteria: ICSL Variant Classification Criteria 13 December 2019. Collection method: clinical testing. Allele origin: germline.

NM_004560.4(ROR2):c.1279A>G (p.Met427Val)

Gene: ROR2 (receptor tyrosine kinase like orphan receptor 2; minus strand). Cytogenetic location: 9q22.31.
Variant type: single nucleotide variant.
Coding change: c.1279A>G on transcript NM_004560.4 (MANE Select); coding-DNA position 1279, A replaced by G.
Protein change: p.Met427Val; replaces methionine 427 with valine.
Molecular consequence: missense variant. On other transcripts: synonymous variant (1).
Genome position (GRCh38, 1-based): chr9:91,726,648, T>C on the plus strand (A>G on the coding strand, the complement: ROR2 is on the minus strand). VCF-style: chr9-91726648-T-C. GRCh37 (hg19) VCF-style: chr9-94488930-T-C.
Other names: c.1245A>G, p.Ala415= (NM_001318204.2); short protein forms M427V.
Identifiers: ClinVar variation 912923 (VCV000912923.11), dbSNP rs148390451, ClinGen allele CA5120739.